The following is an entry in ClinVar:

ClinVar aggregate classification (germline): Uncertain significance (1 of 4 stars; one submission).

Submission:

GeneDx
Classification: Uncertain significance. Last evaluated: 2024-06-10. Review status: criteria provided, single submitter. Criteria: GeneDx Variant Classification Process June 2021. Collection method: clinical testing. Allele origin: germline. Affected: yes.
Comment: Not observed at significant frequency in large population cohorts (gnomAD); In silico analysis supports that this missense variant has a deleterious effect on protein structure/function; Has not been previously published as pathogenic or benign to our knowledge

NM_014991.6(WDFY3):c.6283C>G (p.Leu2095Val)

Gene: WDFY3 (WD repeat and FYVE domain containing 3; minus strand). Cytogenetic location: 4q21.23.
Variant type: single nucleotide variant.
Coding change: c.6283C>G on transcript NM_014991.6 (MANE Select); coding-DNA position 6283, C replaced by G.
Protein change: p.Leu2095Val; replaces leucine 2095 with valine.
Molecular consequence: missense variant.
Genome position (GRCh38, 1-based): chr4:84,740,368, G>C on the plus strand (C>G on the coding strand, the complement: WDFY3 is on the minus strand). VCF-style: chr4-84740368-G-C. GRCh37 (hg19) VCF-style: chr4-85661521-G-C.
Other names: short protein forms L2095V.
Identifiers: ClinVar variation 3391583 (VCV003391583.1).